The following is an entry in ClinVar:

NM_003620.4(PPM1D):c.1384C>T (p.Gln462Ter)

Gene: PPM1D (protein phosphatase, Mg2+/Mn2+ dependent 1D; plus strand). Cytogenetic location: 17q23.2.
Variant type: single nucleotide variant.
Coding change: c.1384C>T on transcript NM_003620.4 (MANE Select); coding-DNA position 1384, C replaced by T.
Protein change: p.Gln462Ter; replaces glutamine 462 with a stop codon.
Molecular consequence: nonsense.
Genome position (GRCh38, 1-based): chr17:60,663,118, C>T. VCF-style: chr17-60663118-C-T. GRCh37 (hg19) VCF-style: chr17-58740479-C-T.
Other names: short protein forms Q462*.
Identifiers: ClinVar variation 1710039 (VCV001710039.4), dbSNP rs2031554958, ClinGen allele CA400456880.

ClinVar aggregate classification (germline): Likely pathogenic. Review status: criteria provided, multiple submitters, no conflicts (2 of 4 stars). 3 submissions from 3 submitters: Likely pathogenic (3). Last evaluated 2023-07-17.

Conditions:
PPM1D-related disorder. Also called: PPM1D-related condition.
Intellectual developmental disorder with gastrointestinal difficulties and high pain threshold (JDVS). Also called: JANSEN-DE VRIES SYNDROME. Identifiers: Orphanet 653767, MedGen C4479517, MONDO:0044318, OMIM 617450.

gnomAD v4.1: 2 of 1,614,104 alleles (0.00012%); highest among the groups gnomAD compares: Non-Finnish European, 0.00017%; no homozygotes.

Submissions (3):

GeneDx
Classification: Likely pathogenic. Last evaluated: 2023-07-17. Review status: criteria provided, single submitter. Criteria: GeneDx Variant Classification Process June 2021. Collection method: clinical testing. Allele origin: germline. Affected: yes.
Comment: Identified as mosaic in individuals with either breast or ovarian cancer following chemotherapy (Pharoah et al., 2016; Ruark et al., 2013); Nonsense variant predicted to result in protein truncation, as the last 144 amino acids are lost, and other loss-of-function variants have been reported downstream in HGMD; Not observed at significant frequency in large population cohorts (gnomAD); This variant is associated with the following publications: (PMID: 26823519, 23242139)

MGZ Medical Genetics Center
Classification: Likely pathogenic for Intellectual developmental disorder with gastrointestinal difficulties and high pain threshold. Last evaluated: 2021-10-27. Review status: criteria provided, single submitter. Criteria: ACMG Guidelines, 2015. Collection method: clinical testing. Allele origin: germline. Affected: yes. Observed: 1 variant allele.
Comment: ACMG criteria applied: PVS1_STR, PS2_MOD, PM2_SUP

Blueprint Genetics
Classification: Likely pathogenic for PPM1D-related disorders. Last evaluated: 2020-03-02. Review status: criteria provided, single submitter. Criteria: ACMG Guidelines, 2015. Collection method: clinical testing. Allele origin: germline. Affected: yes. Observed: 1 variant allele.